The following is an entry in ClinVar:

NM_021930.6(RINT1):c.1334-5_1335delinsTCA

Gene: RINT1 (RAD50 interactor 1; plus strand). Cytogenetic location: 7q22.3.
Variant type: Indel.
Coding change: c.1334-5_1335delinsTCA on transcript NM_021930.6 (MANE Select); 5 bases into the intron before coding-DNA position 1334 through coding-DNA position 1335, ATCAGTT replaced by TCA.
Molecular consequence: splice acceptor variant.
Genome position (GRCh38, 1-based): chr7:105,551,565-105,551,571, ATCAGTT replaced by TCA. VCF-style: chr7-105551565-ATCAGTT-TCA. GRCh37 (hg19) VCF-style: chr7-105192012-ATCAGTT-TCA.
Other names: c.311-5_312delinsTCA (NM_001346600.2, NM_001346603.2); c.410-5_411delinsTCA (NM_001346601.2); c.1100-5_1101delinsTCA (NM_001346599.2); c.1334-5_1335delATCAGTTinsTCA (NM_021930.4).
Identifiers: ClinVar variation 241395 (VCV000241395.4), dbSNP rs878855071, ClinGen allele CA10582460.
Genomic context (GRCh38, chr7:105,551,565, plus strand): 5'-CAAGTTGAATAATTAGGAACGACTGTAACTACTTAATTGACATAATTGTTTTGTCTGCTT[ATCAGTT>TCA]GCTCTTCAAAAAATGGACTCAATGCTTTCCTCAGAAGCTGCCTGGGTATCGCAATATAAG-3'

ClinVar aggregate classification (germline): Uncertain significance. Review status: criteria provided, multiple submitters, no conflicts (2 of 4 stars). 2 submissions from 2 submitters: Uncertain significance (2). Last evaluated 2022-02-23.

Submissions (2):

Ambry Genetics
Classification: Uncertain significance. Last evaluated: 2022-02-23. Review status: criteria provided, single submitter. Criteria: Ambry Variant Classification Scheme 2023. Collection method: clinical testing. Allele origin: germline.
Comment: The c.1334-5_1335delATCAGTTinsTCA variant results from a deletion of 7 nucleotides and insertion of three (TCA) nucleotides at positions c.1334-5 to c.1335 and involves the canonical splice acceptor site before coding exon 10 of the RINT1 gene. Using the BDGP and ESEfinder splice site prediction tools, this alteration is predicted to abolish the native splice acceptor site. These models also predict a strong cryptic acceptor site that, if utilized, would result in an in-frame transcript with unknown functional impact. The canonical splice acceptor site is well conserved in available vertebrate species. The evidence for this gene-disease relationship is limited; therefore, the clinical significance of this alteration is unclear.

Labcorp Genetics (formerly Invitae), Labcorp
Classification: Uncertain significance. Last evaluated: 2019-05-30. Review status: criteria provided, single submitter. Criteria: Invitae Variant Classification Sherloc (09022015). Collection method: clinical testing. Allele origin: germline.
Comment: This variant, c.1334-5_1335delinsTCA, is a complex sequence change that results in the deletion of the acceptor splice site in intron 9. It is expected to disrupt RNA splicing and/or create a premature translational stop signal, and likely results in an absent or disrupted protein product. This variant is not present in population databases (ExAC no frequency). This variant has been reported in an individual affected with breast cancer (PMID: 25050558). It is also known as c.[1334-5delA;1334-1_1335delGTT] in the literature. Experimental studies have shown that this variant alters the mRNA transcript in vitro (PMID: 25050558). It is predicted to result in both a missense change and the deletion of a single amino acid (p.Phe445_Ala446delinsSer), but preserve the integrity of the reading frame. The effect of these changes on protein function have not been determined. In summary, this is a rare, complex variant with uncertain effect on protein function. For these reasons, this change has been classified as a Variant of Uncertain Significance.

Literature cited by the submitters: PubMed 25050558 (cited by Labcorp Genetics (formerly Invitae), Labcorp).